The following is an entry in ClinVar:

NM_017613.4(DONSON):c.1350+4_1350+5insATGCAAATGC

Gene: DONSON (DNA replication fork stabilization factor DONSON; minus strand). Cytogenetic location: 21q22.11.
Variant type: Insertion.
Coding change: c.1350+4_1350+5insATGCAAATGC on transcript NM_017613.4 (MANE Select); bases 4 to 5 of the intron after coding-DNA position 1350, ATGCAAATGC inserted.
Molecular consequence: intron variant.
Genome position: GRCh38 VCF-style: chr21-33581297-A-AGCATTTGCAT. GRCh37 (hg19) VCF-style: chr21-34953603-A-AGCATTTGCAT.
Identifiers: ClinVar variation 2187243 (VCV002187243.2), dbSNP rs752003766, ClinGen allele CA10010353.

ClinVar aggregate classification (germline): Uncertain significance (1 of 4 stars; one submission).

Allele frequency attached by ClinVar (database versions not stated): ExAC 0.00002.

Submission:

Labcorp Genetics (formerly Invitae), Labcorp
Classification: Uncertain significance. Last evaluated: 2024-02-17. Review status: criteria provided, single submitter. Criteria: Invitae Variant Classification Sherloc (09022015). Collection method: clinical testing. Allele origin: germline.
Comment: This sequence change falls in intron 8 of the DONSON gene. It does not directly change the encoded amino acid sequence of the DONSON protein. It affects a nucleotide within the consensus splice site. This variant is present in population databases (rs752003766, gnomAD 0.004%). This variant has not been reported in the literature in individuals affected with DONSON-related conditions. ClinVar contains an entry for this variant (Variation ID: 2187243). Variants that disrupt the consensus splice site are a relatively common cause of aberrant splicing (PMID: 17576681, 9536098). Algorithms developed to predict the effect of sequence changes on RNA splicing suggest that this variant is not likely to affect RNA splicing. In summary, the available evidence is currently insufficient to determine the role of this variant in disease. Therefore, it has been classified as a Variant of Uncertain Significance.

Literature cited by the submitters: PubMed 17576681; PubMed 9536098.